The following is an entry in ClinVar:

Conditions:
Long QT syndrome 5 (LQT5). Identifiers: Orphanet 101016, Orphanet 768, MedGen C1867904, MONDO:0013372, OMIM 613695.

Submission:

Roden Lab, Vanderbilt University Medical Center
No classification provided (evidence only). Condition: Long QT syndrome 5. Review status: no classification provided. Collection method: in vitro. Allele origin: not applicable. Functional consequence: Effect on ion channel function.
ClinVar note: "not provided" was previously submitted as the classification for the variant. However, the classification appeared to be based only on an observation of functional data so it was converted to no classification on 2025-07-30.

NM_000219.6(KCNE1):c.176T>A (p.Leu59Gln)

Gene: KCNE1 (potassium voltage-gated channel subfamily E regulatory subunit 1; minus strand). Cytogenetic location: 21q22.12.
Variant type: single nucleotide variant.
Coding change: c.176T>A on transcript NM_000219.6 (MANE Select); coding-DNA position 176, T replaced by A.
Protein change: p.Leu59Gln; replaces leucine 59 with glutamine.
Molecular consequence: missense variant.
Genome position (GRCh38, 1-based): chr21:34,449,459, A>T on the plus strand (T>A on the coding strand, the complement: KCNE1 is on the minus strand). VCF-style: chr21-34449459-A-T. GRCh37 (hg19) VCF-style: chr21-35821757-A-T.
Other names: c.176T>A, p.Leu59Gln (NM_001127668.4, NM_001127669.4, NM_001127670.4 and 4 more transcripts); short protein forms L59Q.
Identifiers: ClinVar variation 3374248 (VCV003374248.2).